The following is an entry in ClinVar:

NM_000089.4(COL1A2):c.133-3C>A

Gene: COL1A2 (collagen type I alpha 2 chain; plus strand). Cytogenetic location: 7q21.3.
Variant type: single nucleotide variant.
Coding change: c.133-3C>A on transcript NM_000089.4 (MANE Select); 3 bases into the intron before coding-DNA position 133, C replaced by A.
Molecular consequence: intron variant.
Genome position (GRCh38, 1-based): chr7:94,400,193, C>A. VCF-style: chr7-94400193-C-A. GRCh37 (hg19) VCF-style: chr7-94029505-C-A.
Identifiers: ClinVar variation 571714 (VCV000571714.10), dbSNP rs1562897561, ClinGen allele CA891842795.

ClinVar aggregate classification (germline): Uncertain significance (1 of 4 stars; one submission).

Conditions:
Osteogenesis imperfecta type I (OI1). Also called: OI, TYPE I; OSTEOGENESIS IMPERFECTA TARDA; OSTEOGENESIS IMPERFECTA WITH BLUE SCLERAE; Lobstein's Disease; Classic Non-deforming Osteogenesis Imperfecta with Blue Sclerae; Lobstein disease. Identifiers: Orphanet 216796, Orphanet 666, MedGen C0023931, MONDO:0008146, OMIM 166200. Disease mechanism: loss of function.
Ehlers-Danlos syndrome, classic type, 1 (EDSCL1). Also called: Ehlers-Danlos Syndrome, Classic Type, COL5A1-Related; EDS I; Ehlers-Danlos syndrome, type 1; EHLERS-DANLOS SYNDROME, GRAVIS TYPE; EHLERS-DANLOS SYNDROME, SEVERE CLASSIC TYPE. Identifiers: MedGen C0268335, MONDO:0019567, OMIM 130000.

Submission:

Labcorp Genetics (formerly Invitae), Labcorp
Classification: Uncertain significance for Osteogenesis imperfecta type I; Ehlers-Danlos syndrome, classic type, 1. Last evaluated: 2018-06-06. Review status: criteria provided, single submitter. Criteria: Invitae Variant Classification Sherloc (09022015). Collection method: clinical testing. Allele origin: germline.
Comment: Nucleotide substitutions within the consensus splice site are a relatively common cause of aberrant splicing (PMID: 17576681, 9536098). Algorithms developed to predict the effect of sequence changes on RNA splicing suggest that this variant may disrupt the consensus splice site, but this prediction has not been confirmed by published transcriptional studies. This variant has not been reported in the literature in individuals with COL1A2-related disease. This variant is not present in population databases (ExAC no frequency). This sequence change falls in intron 4 of the COL1A2 gene. It does not directly change the encoded amino acid sequence of the COL1A2 protein, but it affects a nucleotide within the consensus splice site of the intron. In summary, the available evidence is currently insufficient to determine the role of this variant in disease. Therefore, it has been classified as a Variant of Uncertain Significance.

Literature cited by the submitters: PubMed 17576681; PubMed 9536098.